The following is an entry in ClinVar:

ClinVar aggregate classification (germline): Pathogenic (1 of 4 stars; one submission).

Conditions:
Usher syndrome type 1 (USH1). Also called: RETINITIS PIGMENTOSA AND CONGENITAL DEAFNESS. Identifiers: Orphanet 231169, Orphanet 886, MedGen C1568247, MONDO:0010168, OMIM 276900.

Submission:

Myriad Genetics, Inc.
Classification: Pathogenic for Usher syndrome type 1. Last evaluated: 2023-09-27. Review status: criteria provided, single submitter. Criteria: Myriad Autosomal Dominant, Autosomal Recessive and X-Linked Classification Criteria (2023). Collection method: clinical testing. Allele origin: unknown.
Comment: NM_000260.3(MYO7A):c.1133dupG(G379Rfs*64) is expected to be pathogenic in the context of MYO7A-related disorders. This variant is predicted to lead to an abnormal or absent protein product due to the creation of a premature termination codon in MYO7A, a gene where loss-of-function variants are known to be pathogenic. Please note: this variant was assessed in the context of healthy population screening.

NM_000260.4(MYO7A):c.1133dup (p.Gly379fs)

Gene: MYO7A (myosin VIIA; plus strand). Cytogenetic location: 11q13.5.
Variant type: Duplication.
Coding change: c.1133dup on transcript NM_000260.4 (MANE Select); coding-DNA position 1133, one base duplicated (G; older notation c.1133dupG).
Protein change: p.Gly379fs; shifts the reading frame from glycine 379.
Molecular consequence: frameshift variant.
Genome position (GRCh38, 1-based): chr11:77,160,215, G duplicated. VCF-style (leftmost placement, unchanged base first): chr11-77160214-C-CG. GRCh37 (hg19) VCF-style: chr11-76871260-C-CG.
Other names: c.1133dup, p.Gly379fs (NM_001127180.2); c.1100dup, p.Gly368fs (NM_001369365.1); short protein forms G368fs, G379fs.
Identifiers: ClinVar variation 5012043 (VCV005012043.1).